The following is an entry in ClinVar:

ClinVar aggregate classification (germline): Uncertain significance (1 of 4 stars; one submission).

Allele frequency attached by ClinVar (database versions not stated): ExAC 0.00001.
gnomAD v4.1: 3 of 1,613,722 alleles (0.00019%); highest among the groups gnomAD compares: South Asian, 0.0011%; no homozygotes.

Submission:

Labcorp Genetics (formerly Invitae), Labcorp
Classification: Uncertain significance. Last evaluated: 2023-04-08. Review status: criteria provided, single submitter. Criteria: Invitae Variant Classification Sherloc (09022015). Collection method: clinical testing. Allele origin: germline.
Comment: This variant has not been reported in the literature in individuals affected with RP1L1-related conditions. In summary, the available evidence is currently insufficient to determine the role of this variant in disease. Therefore, it has been classified as a Variant of Uncertain Significance. Advanced modeling of protein sequence and biophysical properties (such as structural, functional, and spatial information, amino acid conservation, physicochemical variation, residue mobility, and thermodynamic stability) performed at Invitae indicates that this missense variant is not expected to disrupt RP1L1 protein function. This variant is present in population databases (rs763495243, gnomAD no frequency). This sequence change replaces glutamine, which is neutral and polar, with histidine, which is basic and polar, at codon 128 of the RP1L1 protein (p.Gln128His).

NM_178857.6(RP1L1):c.384G>C (p.Gln128His)

Gene: RP1L1 (RP1 like 1). Cytogenetic location: 8p23.1.
Variant type: single nucleotide variant.
Coding change: c.384G>C on transcript NM_178857.6 (MANE Select); coding-DNA position 384, G replaced by C.
Protein change: p.Gln128His; replaces glutamine 128 with histidine.
Molecular consequence: missense variant.
Genome position (GRCh38, 1-based): chr8:10,622,818, C>G on the plus strand (G>C on the coding strand, the complement: RP1L1 is on the minus strand). VCF-style: chr8-10622818-C-G. GRCh37 (hg19) VCF-style: chr8-10480328-C-G.
Other names: short protein forms Q128H.
Identifiers: ClinVar variation 2851440 (VCV002851440.3), dbSNP rs763495243, ClinGen allele CA4625733.